The following is an entry in ClinVar:

ClinVar aggregate classification (germline): Conflicting classifications of pathogenicity. Review status: criteria provided, conflicting classifications (1 of 4 stars). 17 submissions from 17 submitters: Likely pathogenic (3); Uncertain significance (13). 1 of the submissions does not count toward it. Last evaluated 2026-08-25.

Conditions:
Retinitis pigmentosa (RP). Identifiers: Orphanet 791, MedGen C0035334, MeSH D012174, MONDO:0019200, OMIM 268000. Inheritance: Autosomal dominant, autosomal recessive and X linked inheritance.
ABCA4-related retinopathy. Also called: ABCA4-related retinoapthy; ABCA4 retinoapthy. Identifiers: MedGen CN322612, MONDO:0800406.
Retinal dystrophy. Also called: Inherited retinal dystrophy. Identifiers: Orphanet 71862, MedGen C0854723, MeSH D058499, MONDO:0019118, HP:0000556.
Retinitis pigmentosa 19 (RP19). Also called: ABCA4-Related Retinitis Pigmentosa. Identifiers: Orphanet 791, MedGen C1866422, MONDO:0011137, OMIM 601718.
Stargardt disease (FFM). Also called: Stargardt's disease; Fundus flavimaculatus. Identifiers: Orphanet 827, MedGen C0271093, MONDO:0019353.
Cone-rod dystrophy. Also called: Cone-rod degeneration; Cone/cone-rod dystrophy. Identifiers: Orphanet 1872, MedGen C4085590, MONDO:0015993, HP:0000548.
ABCA4-related disorder. Also called: ABCA4-related disorders; ABCA4-related condition. Identifiers: MedGen CN239167.
Cone-rod dystrophy 3 (CORD3). Identifiers: Orphanet 1872, MedGen C1858806, MONDO:0011395, OMIM 604116.
Severe early-childhood-onset retinal dystrophy (STGD1). Also called: Stargardt macular dystrophy; Juvenile onset macular degeneration; Stargardt disease 1; MACULAR DYSTROPHY WITH FLECKS, TYPE 1; STGD. Identifiers: Orphanet 364055, Orphanet 827, MedGen C1855465, MeSH D000080362, MONDO:0009549, OMIM 248200.
Age related macular degeneration 2. Also called: MACULAR DEGENERATION, SENILE; MACULOPATHY, AGE-RELATED, 2; MACULOPATHY, AGE-RELATED. Identifiers: MedGen C3495438, MONDO:0007932, OMIM 153800.

Allele frequency attached by ClinVar (database versions not stated): gnomAD 0.00019 and 0.00020; TOPMed 0.00027; 1000 Genomes Project 30x 0.00031; gnomAD exomes 0.00031; ExAC 0.00034; 1000 Genomes Project 0.00040; ESP Exome Variant Server 0.00046.
gnomAD v4.1: 777 of 1,613,974 alleles (0.048%); highest among the groups gnomAD compares: Middle Eastern, 0.15%; 2 homozygotes.

Submissions 1 to 7 of 18:

GeneDx
Classification: Uncertain significance. Last evaluated: 2026-08-25. Review status: criteria provided, single submitter. Criteria: GeneDx Variant Classification Process June 2021. Collection method: clinical testing. Allele origin: germline.
Comment: Identified in patients with ABCA4-related retinal dystrophy in published literature, although additional clinical information and familial segregation data were not provided for some cases (PMID: 25474345, 18285826, 31456290); RNA studies demonstrate a damaging effect with leaky splicing, generating a minor aberrant transcript with the loss of an adjacent out of frame exon (PMID: 31212395); In silico analysis supports that this missense variant has a deleterious effect on protein structure/function; In silico analysis supports that this missense variant has a deleterious effect on protein structure/function; This variant is associated with the following publications: (PMID: 31964843, 32307445, 34426522, 35886001, 15192030, 20852892, 18285826, 31212395, 31456290, 38465142, 33841504, 36209838, 39280350, 39425040, 38219857, 25474345)

PreventionGenetics, part of Exact Sciences
Classification: Uncertain significance for ABCA4-related condition. Last evaluated: 2026-08-11. Review status: criteria provided, single submitter. Criteria: ACMG Guidelines, 2015. Collection method: clinical testing. Allele origin: germline.
Comment: The ABCA4 c.3608G>A variant is predicted to result in the amino acid substitution p.Gly1203Glu. This variant has been reported along with a protein-truncating variant in an individual who presented with retinal disease (Table S1, Lin et al. 2024. PubMed ID: 38219857). This variant has also been reported in large cohorts of individuals with Stargardt disease, although limited genetic or clinical information was provided (Kitiratschky et al. 2008. PubMed ID: 18285826; Table S2, Sharon et al. 2020. PubMed ID: 31456290; Stenirri et al. 2004. PubMed ID: 15192030). In at least one case, this variant was detected along with two known pathogenic variants (Table S2, Zaneveld et al. 2014. PubMed ID: 25474345). This variant affects the first nucleotide of exon 25 and is predicted to create a cryptic acceptor splice site two nucleotides away from the canonical acceptor splice site (SpliceAI, Jaganathan et al. 2019. PubMed ID: 30661751). Functional splicing studies have demonstrated that this variant indeed causes skipping of exon 25 in a small proportion of transcripts (Khan et al. 2019. PubMed ID: 31212395). This variant is present in 0.057% of alleles in individuals of European (Non-Finnish) descent in gnomAD, including two homozygous individuals in dataset v4.1.0. Due to the conflicting evidence, the clinical significance of this variant is uncertain at this time.

Labcorp Genetics (formerly Invitae), Labcorp
Classification: Likely pathogenic. Last evaluated: 2026-01-21. Review status: criteria provided, single submitter. Criteria: Invitae Variant Classification Sherloc (09022015). Collection method: clinical testing. Allele origin: germline.
Comment: This sequence change replaces glycine, which is neutral and non-polar, with glutamic acid, which is acidic and polar, at codon 1203 of the ABCA4 protein (p.Gly1203Glu). This variant is present in population databases (rs146786552, gnomAD 0.06%). This missense change has been observed in individual(s) with clinical features of Stargardt disease or ABCA4-related conditions (PMID: 25474345, 31212395, 33841504; internal data). In at least one individual the data is consistent with being in trans (on the opposite chromosome) from a pathogenic variant. ClinVar contains an entry for this variant (Variation ID: 497057). An algorithm developed to predict the effect of missense changes on protein structure and function (PolyPhen-2) suggests that this variant is likely to be disruptive. Studies have shown that this missense change does not significantly alter or has an unclear effect on ABCA4 gene expression (PMID: 31212395). Algorithms developed to predict the effect of sequence changes on RNA splicing suggest that this variant may disrupt the consensus splice site. In summary, the currently available evidence indicates that the variant is pathogenic, but additional data are needed to prove that conclusively. Therefore, this variant has been classified as Likely Pathogenic.

Women's Health and Genetics/Laboratory Corporation of America, LabCorp
Classification: Likely pathogenic for Retinitis pigmentosa. Last evaluated: 2025-09-18. Review status: criteria provided, single submitter. Criteria: LabCorp Variant Classification Summary - May 2015. Collection method: clinical testing. Allele origin: germline.
Comment: Variant summary: ABCA4 c.3608G>A (p.Gly1203Glu) results in a non-conservative amino acid change in the encoded protein sequence. Algorithms developed to predict the effect of missense changes on protein structure and function are either unavailable or do not agree on the potential impact of this missense change. Several computational tools predict a significant impact on normal splicing: Four predict the variant weakens a 3 acceptor site. Three predict the variant creates a 3 acceptor site. At least one study has shown that this variant leads to skipping of exon 25, which is predicted to be out of frame and result in nonsense mediated decay (Khan_2020). However, compared to altered mRNA product (lacking exon 25) the wild-type mRNA was produced in great excess, suggesting that this variant may not lead to a complete loss of function (Khan_2020). The variant allele was found at a frequency of 0.00031 in 250392 control chromosomes. This frequency is not significantly higher than estimated for a pathogenic variant in ABCA4 causing Retinitis Pigmentosa (0.00031 vs 0.0014), including at least 2 homozygotes in gnomAD v4, allowing no conclusion about variant significance. c.3608G>A has been observed in the presumed compound heterozygous state in multiple individual(s) affected with Retinitis Pigmentosa or Stargardt Disease (e.g. Kitiratschky_2008, Zaneveld_2015, Sharon_2019, Khan_2020, Mena_2021, Lin_2024, internal data). These data indicate that the variant may be associated with disease. A different variant at the same codon but in a different exon (c.3607G>A, p.Gly1203Arg) has been determined to be likely pathogenic/pathogenic by our laboratory and similar to our variant results in skipping of exon 25 in vitro, however with a much higher fraction (>90%) of the transcript pool affected (PMID: 29162642). In contrast, the present variant c.3608G>A may have a milder presentation/decreased penetrance due to the incomplete exon skipping. The following publications have been ascertained in the context of this evaluation (PMID: 31964843, 31212395, 18285826, 38219857, 33841504, 35886001, 38465142, 31456290, 25474345). ClinVar contains an entry for this variant (Variation ID: 497057). Based on the evidence outlined above, the variant was classified as likely pathogenic.

First Genomix Gene Laboratory, Genetic Diagnostics Department
Classification: Likely pathogenic for Cone-rod dystrophy 3; Severe early-childhood-onset retinal dystrophy; Retinitis pigmentosa 19. Last evaluated: 2025-03-25. Review status: criteria provided, single submitter. Criteria: ACMG Guidelines, 2015. Collection method: clinical testing. Allele origin: germline. Inheritance: Autosomal recessive inheritance. Affected: no. Observed: 1 variant allele.

Blueprint Genetics
Classification: Uncertain significance. Last evaluated: 2024-11-25. Review status: criteria provided, single submitter. Criteria: ACMG Guidelines, 2015. Collection method: clinical testing. Allele origin: germline.

Fulgent Genetics
Classification: Uncertain significance for Age related macular degeneration 2; Severe early-childhood-onset retinal dystrophy; Retinitis pigmentosa 19; Cone-rod dystrophy 3. Last evaluated: 2024-04-08. Review status: criteria provided, single submitter. Criteria: ACMG Guidelines, 2015. Collection method: clinical testing. Allele origin: germline.

NM_000350.3(ABCA4):c.3608G>A (p.Gly1203Glu)

Genes: ABCA4 (ATP binding cassette subfamily A member 4; minus strand), LOC126805794 (BRD4-independent group 4 enhancer GRCh37_chr1:94502188-94503387; plus strand). Cytogenetic location: 1p22.1.
Variant type: single nucleotide variant.
Coding change: c.3608G>A on transcript NM_000350.3 (MANE Select); coding-DNA position 3608, G replaced by A.
Protein change: p.Gly1203Glu; replaces glycine 1203 with glutamic acid.
Molecular consequence: missense variant.
Genome position (GRCh38, 1-based): chr1:94,037,350, C>T on the plus strand (G>A on the coding strand, the complement: ABCA4 is on the minus strand). VCF-style: chr1-94037350-C-T. GRCh37 (hg19) VCF-style: chr1-94502906-C-T.
Other names: c.3386G>A, p.Gly1129Glu (NM_001425324.1); short protein forms G1203E, G1129E.
Identifiers: ClinVar variation 497057 (VCV000497057.73), dbSNP rs146786552, ClinGen allele CA957869.